The following is an entry in ClinVar:

NM_021072.4(HCN1):c.1309C>G (p.His437Asp)

Gene: HCN1 (hyperpolarization activated cyclic nucleotide gated potassium channel 1; minus strand). Cytogenetic location: 5p12.
Variant type: single nucleotide variant.
Coding change: c.1309C>G on transcript NM_021072.4 (MANE Select); coding-DNA position 1309, C replaced by G.
Protein change: p.His437Asp; replaces histidine 437 with aspartic acid.
Molecular consequence: missense variant.
Genome position (GRCh38, 1-based): chr5:45,353,168, G>C on the plus strand (C>G on the coding strand, the complement: HCN1 is on the minus strand). VCF-style: chr5-45353168-G-C. GRCh37 (hg19) VCF-style: chr5-45353270-G-C.
Other names: short protein forms H437D.
Identifiers: ClinVar variation 2099551 (VCV002099551.5), dbSNP rs2478391627, ClinGen allele CA359702111.

ClinVar aggregate classification (germline): Uncertain significance. Review status: criteria provided, multiple submitters, no conflicts (2 of 4 stars). 2 submissions from 2 submitters: Uncertain significance (2). Last evaluated 2024-05-15.

Conditions:
Early-infantile DEE. Also called: Early infantile epileptic encephalopathy; Ohtahara syndrome; Early infantile epileptic encephalopathy with suppression bursts. Identifiers: Orphanet 1934, MedGen C0393706, MONDO:0800491.

gnomAD v4.1: 1 of 1,609,648 alleles (0.000062%); highest among the groups gnomAD compares: Non-Finnish European, 0.000085%; no homozygotes.

Submissions (2):

Labcorp Genetics (formerly Invitae), Labcorp
Classification: Uncertain significance for Early-infantile DEE. Last evaluated: 2024-05-15. Review status: criteria provided, single submitter. Criteria: Invitae Variant Classification Sherloc (09022015). Collection method: clinical testing. Allele origin: germline.
Comment: This sequence change replaces histidine, which is basic and polar, with aspartic acid, which is acidic and polar, at codon 437 of the HCN1 protein (p.His437Asp). This variant is not present in population databases (gnomAD no frequency). This variant has not been reported in the literature in individuals affected with HCN1-related conditions. This missense change has been observed in at least one individual who was not affected with HCN1-related conditions (Invitae). ClinVar contains an entry for this variant (Variation ID: 2099551). Advanced modeling of protein sequence and biophysical properties (such as structural, functional, and spatial information, amino acid conservation, physicochemical variation, residue mobility, and thermodynamic stability) performed at Invitae indicates that this missense variant is expected to disrupt HCN1 protein function with a positive predictive value of 80%. In summary, the available evidence is currently insufficient to determine the role of this variant in disease. Therefore, it has been classified as a Variant of Uncertain Significance.

Blueprint Genetics
Classification: Uncertain significance. Last evaluated: 2022-02-18. Review status: criteria provided, single submitter. Criteria: ACMG Guidelines, 2015. Collection method: clinical testing. Allele origin: germline.